The following is an entry in ClinVar:

ClinVar aggregate classification (germline): Uncertain significance (1 of 4 stars; one submission).

Allele frequency attached by ClinVar (database versions not stated): TOPMed below 0.00001; gnomAD exomes 0.00001.

Submission:

Women's Health and Genetics/Laboratory Corporation of America, LabCorp
Classification: Uncertain significance. Last evaluated: 2025-01-03. Review status: criteria provided, single submitter. Criteria: LabCorp Variant Classification Summary - May 2015. Collection method: clinical testing. Allele origin: germline.
Comment: Variant summary: ARHGEF9 c.454A>G (p.Ile152Val) results in a conservative amino acid change located in the Dbl homology (DH) domain (IPR000219) of the encoded protein sequence. Three of five in-silico tools predict a damaging effect of the variant on protein function. The variant allele was found at a frequency of 5.5e-06 in 182643 control chromosomes. The available data on variant occurrences in the general population are insufficient to allow any conclusion about variant significance. To our knowledge, no occurrence of c.454A>G in individuals affected with Early Infantile Epileptic Encephalopathy 8 and no experimental evidence demonstrating its impact on protein function have been reported. ClinVar contains an entry for this variant (Variation ID: 1696331). Based on the evidence outlined above, the variant was classified as uncertain significance.

NM_001353921.2(ARHGEF9):c.475A>G (p.Ile159Val)

Gene: ARHGEF9 (Cdc42 guanine nucleotide exchange factor 9; minus strand). Cytogenetic location: Xq11.1.
Variant type: single nucleotide variant.
Coding change: c.475A>G on transcript NM_001353921.2 (MANE Select); coding-DNA position 475, A replaced by G.
Protein change: p.Ile159Val; replaces isoleucine 159 with valine.
Molecular consequence: missense variant.
Genome position (GRCh38, 1-based): chrX:63,697,232, T>C on the plus strand (A>G on the coding strand, the complement: ARHGEF9 is on the minus strand). VCF-style: chrX-63697232-T-C. GRCh37 (hg19) VCF-style: chrX-62917112-T-C.
Other names: c.295A>G, p.Ile99Val (NM_001173479.2); c.148A>G, p.Ile50Val (NM_001173480.2, NM_001369042.1); c.391A>G, p.Ile131Val (NM_001330495.2, NM_001353927.2, NM_001369033.1 and 8 more transcripts); c.475A>G, p.Ile159Val (NM_001353922.2); c.493A>G, p.Ile165Val (NM_001353923.1); c.274A>G, p.Ile92Val (NM_001353924.2, NM_001353926.2, NM_001369039.1 and 1 more transcripts); c.454A>G, p.Ile152Val (NM_001353928.2, NM_001369030.1, NM_001369031.1 and 2 more transcripts); c.40A>G, p.Ile14Val (NM_001369045.1); short protein forms I131V, I14V, I152V, I159V, I165V, I50V, I92V, I99V.
Identifiers: ClinVar variation 1696331 (VCV001696331.3), dbSNP rs1556389367, ClinGen allele CA413407072.
Genomic context (GRCh38, chrX:63,697,232, plus strand): 5'-TGTTATACTGTTTCTCCAGGTCTCTCACAAAGCCCATCTGAAATCTGTAGATATCTTCAA[T>C]GTTCCCAAAGATTACCTTCAGTTGCTCGTCACTGAACATGTCCCTTCTCTTCCGGCACTG-3'
Protein context (NP_001340850.1, residues 149-169): DEQLKVIFGN[Ile159Val]EDIYRFQMGF